The following is an entry in ClinVar:

NM_001035.3(RYR2):c.12667A>G (p.Lys4223Glu)

Genes: RYR2 (ryanodine receptor 2; plus strand), LOC126806068 (BRD4-independent group 4 enhancer GRCh37_chr1:237947411-237948610; plus strand). Cytogenetic location: 1q43.
Variant type: single nucleotide variant.
Coding change: c.12667A>G on transcript NM_001035.3 (MANE Select); coding-DNA position 12667, A replaced by G.
Protein change: p.Lys4223Glu; replaces lysine 4223 with glutamic acid.
Molecular consequence: missense variant.
Genome position (GRCh38, 1-based): chr1:237,784,379, A>G. VCF-style: chr1-237784379-A-G. GRCh37 (hg19) VCF-style: chr1-237947679-A-G.
Other names: short protein forms K4223E.
Identifiers: ClinVar variation 2725621 (VCV002725621.4), dbSNP rs1435375697, ClinGen allele CA345413872.

ClinVar aggregate classification (germline): Uncertain significance. Review status: criteria provided, multiple submitters, no conflicts (2 of 4 stars). 2 submissions from 2 submitters: Uncertain significance (2). Last evaluated 2023-11-15.

Conditions:
Catecholaminergic polymorphic ventricular tachycardia (CVPT). Also called: Catecholamine-induced polymorphic ventricular tachycardia. Identifiers: Orphanet 3286, MedGen C5574922, MONDO:0017990.
Catecholaminergic polymorphic ventricular tachycardia 1. Also called: RYR2-Related Catecholaminergic Polymorphic Ventricular Tachycardia; VENTRICULAR TACHYCARDIA, CATECHOLAMINERGIC POLYMORPHIC, 1, WITH OR WITHOUT ATRIAL DYSFUNCTION AND/OR DILATED CARDIOMYOPATHY; VENTRICULAR TACHYCARDIA, STRESS-INDUCED POLYMORPHIC 1. Identifiers: Orphanet 3286, MedGen C1631597, MONDO:0011484, OMIM 604772.

gnomAD v4.1: 1 of 1,613,568 alleles (0.000062%); highest among the groups gnomAD compares: Non-Finnish European, 0.000085%; no homozygotes.

Submissions (2):

Labcorp Genetics (formerly Invitae), Labcorp
Classification: Uncertain significance for Catecholaminergic polymorphic ventricular tachycardia 1. Last evaluated: 2023-11-15. Review status: criteria provided, single submitter. Criteria: Invitae Variant Classification Sherloc (09022015). Collection method: clinical testing. Allele origin: germline.
Comment: This sequence change replaces lysine, which is basic and polar, with glutamic acid, which is acidic and polar, at codon 4223 of the RYR2 protein (p.Lys4223Glu). This variant is not present in population databases (gnomAD no frequency). This variant has not been reported in the literature in individuals affected with RYR2-related conditions. Advanced modeling of protein sequence and biophysical properties (such as structural, functional, and spatial information, amino acid conservation, physicochemical variation, residue mobility, and thermodynamic stability) performed at Invitae indicates that this missense variant is not expected to disrupt RYR2 protein function with a negative predictive value of 95%. In summary, the available evidence is currently insufficient to determine the role of this variant in disease. Therefore, it has been classified as a Variant of Uncertain Significance.

All of Us Research Program, National Institutes of Health
Classification: Uncertain significance for Catecholaminergic polymorphic ventricular tachycardia. Last evaluated: 2023-03-09. Review status: criteria provided, single submitter. Criteria: ACMG Guidelines, 2015. Collection method: clinical testing. Allele origin: germline. Inheritance: Autosomal dominant inheritance. Observed: 1 variant allele, 1 heterozygote.
Comment: This missense variant replaces lysine with glutamic acid at codon 4223 of the RYR2 protein. Computational prediction suggests that this variant may not impact protein structure and function (internally defined REVEL score threshold <= 0.5, PMID: 27666373). To our knowledge, functional studies have not been reported for this variant. This variant has not been reported in individuals affected with RYR2-related disorders in the literature. This variant has not been identified in the general population by the Genome Aggregation Database (gnomAD). The available evidence is insufficient to determine the role of this variant in disease conclusively. Therefore, this variant is classified as a Variant of Uncertain Significance.

This study involves interpretation of variants in research participants for the purpose of population health screening. Participant phenotype was not available at the time of variant classification. Additional details can be found in publication PMID: 35346344, PMCID: PMC8962531